The following is an entry in ClinVar:

ClinVar aggregate classification (germline): Uncertain significance (1 of 4 stars; one submission).

gnomAD v4.1: 3 of 1,604,560 alleles (0.00019%); highest among the groups gnomAD compares: African/African-American, 0.0013%; no homozygotes.

Submission:

Labcorp Genetics (formerly Invitae), Labcorp
Classification: Uncertain significance. Last evaluated: 2022-11-15. Review status: criteria provided, single submitter. Criteria: Invitae Variant Classification Sherloc (09022015). Collection method: clinical testing. Allele origin: germline.
Comment: This variant is not present in population databases (gnomAD no frequency). This sequence change replaces serine, which is neutral and polar, with phenylalanine, which is neutral and non-polar, at codon 476 of the SETD5 protein (p.Ser476Phe). This variant has not been reported in the literature in individuals affected with SETD5-related conditions. In summary, the available evidence is currently insufficient to determine the role of this variant in disease. Therefore, it has been classified as a Variant of Uncertain Significance. Advanced modeling of protein sequence and biophysical properties (such as structural, functional, and spatial information, amino acid conservation, physicochemical variation, residue mobility, and thermodynamic stability) performed at Invitae indicates that this missense variant is not expected to disrupt SETD5 protein function.

NM_001080517.3(SETD5):c.1427C>T (p.Ser476Phe)

Gene: SETD5 (SET domain containing 5; plus strand). Cytogenetic location: 3p25.3.
Variant type: single nucleotide variant.
Coding change: c.1427C>T on transcript NM_001080517.3 (MANE Select); coding-DNA position 1427, C replaced by T.
Protein change: p.Ser476Phe; replaces serine 476 with phenylalanine.
Molecular consequence: missense variant.
Genome position (GRCh38, 1-based): chr3:9,445,287, C>T. VCF-style: chr3-9445287-C-T. GRCh37 (hg19) VCF-style: chr3-9486971-C-T.
Other names: c.1133C>T, p.Ser378Phe (NM_001292043.2, NM_001349451.2); short protein forms S378F, S476F.
Identifiers: ClinVar variation 2792192 (VCV002792192.3), dbSNP rs753275152, ClinGen allele CA351693786.
Genomic context (GRCh38, chr3:9,445,287, plus strand): 5'-AGGCTTCAGAGGAGAATAATGACCAGCAATCACAAGAAGTTCCAGAAAAAGTAACTGTAT[C>T]CAGTGATCATGAGGTAATCGCCCCTGGTCAAATGATGATGCTATGGCATCAATCCTCCAA-3'
Protein context (NP_001073986.1, residues 466-486): SQEVPEKVTV[Ser476Phe]SDHEEVDNPE